The following is an entry in ClinVar:

NM_017780.4(CHD7):c.7701_7702del (p.Arg2568fs)

Gene: CHD7 (chromodomain helicase DNA binding protein 7; plus strand). Cytogenetic location: 8q12.2.
Variant type: Microsatellite.
Coding change: c.7701_7702del on transcript NM_017780.4 (MANE Select); coding-DNA positions 7701 to 7702, 2 bases deleted (AC; older notation c.7701_7702delAC).
Protein change: p.Arg2568fs; shifts the reading frame from arginine 2568.
Molecular consequence: frameshift variant. On other transcripts: intron variant (1).
Genome position (GRCh38, 1-based): chr8:60,860,996-60,860,997, AC deleted; deleting any 2 consecutive bases within chr8:60,860,992-60,860,997 gives the same sequence; the c. name uses the placement nearest the transcript's 3' end. VCF-style (leftmost placement, unchanged base first): chr8-60860991-GAC-G. GRCh37 (hg19) VCF-style: chr8-61773550-GAC-G.
Other names: c.1717-1237AC[2] (NM_001316690.1); short protein forms R2568fs.
Identifiers: ClinVar variation 973215 (VCV000973215.5), dbSNP rs1805943625, ClinGen allele CA1788120765.

ClinVar aggregate classification (germline): Pathogenic (1 of 4 stars; one submission).

Conditions:
Hypogonadotropic hypogonadism 5 with or without anosmia (KAL5). Also called: HYPOGONADOTROPIC HYPOGONADISM 5 WITH ANOSMIA; HYPOGONADOTROPHIC HYPOGONADISM 5 WITHOUT ANOSMIA; CHD7-Related GnRH Deficiency (Kallmann Syndrome 5). Identifiers: Orphanet 478, MedGen C3552553, MONDO:0012880, OMIM 612370. Disease mechanism: loss of function.
CHARGE syndrome (CHARGE). Also called: Hittner Hirsch Kreh syndrome; Coloboma, heart anomaly, choanal atresia, retardation, genital and ear anomalies; CHARGE association; Hall-Hittner syndrome; CHARGE ASSOCIATION--COLOBOMA, HEART ANOMALY, CHOANAL ATRESIA, RETARDATION, GENITAL AND EAR ANOMALIES. Identifiers: Orphanet 138, MedGen C0265354, MONDO:0008965.

Submission:

Institute for Genomic Medicine (IGM) Clinical Laboratory, Nationwide Children's Hospital
Classification: Pathogenic for CHD7-related CHARGE syndrome; Hypogonadotropic hypogonadism 5 with or without anosmia. Last evaluated: 2018-06-20. Review status: criteria provided, single submitter. Criteria: ACMG Guidelines, 2015. Collection method: clinical testing. Allele origin: germline. Affected: yes.
Comment: [ACMG/AMP: PVS1, PS2, PM2] This alteration is a null variant in a gene where LOF is a known mechanism of disease [PVS1], is de novo in origin as it was not detected in the submitted parental specimens (identity confirmed) [PS2], is absent from or rarely observed in large-scale population databases [PM2].